The following is an entry in ClinVar:

NM_005612.5(REST):c.2851A>C (p.Thr951Pro)

Gene: REST (RE1 silencing transcription factor; plus strand). Cytogenetic location: 4q12.
Variant type: single nucleotide variant.
Coding change: c.2851A>C on transcript NM_005612.5 (MANE Select); coding-DNA position 2851, A replaced by C.
Protein change: p.Thr951Pro; replaces threonine 951 with proline.
Molecular consequence: missense variant.
Genome position (GRCh38, 1-based): chr4:56,931,709, A>C. VCF-style: chr4-56931709-A-C. GRCh37 (hg19) VCF-style: chr4-57797875-A-C.
Other names: c.2851A>C, p.Thr951Pro (NM_001193508.2, NM_001363453.3); short protein forms T951P.
Identifiers: ClinVar variation 2067899 (VCV002067899.4), dbSNP rs199520565, ClinGen allele CA357009678.

ClinVar aggregate classification (germline): Uncertain significance (1 of 4 stars; one submission).

Submission:

Labcorp Genetics (formerly Invitae), Labcorp
Classification: Uncertain significance. Last evaluated: 2021-12-31. Review status: criteria provided, single submitter. Criteria: Invitae Variant Classification Sherloc (09022015). Collection method: clinical testing. Allele origin: germline.
Comment: In summary, the available evidence is currently insufficient to determine the role of this variant in disease. Therefore, it has been classified as a Variant of Uncertain Significance. Algorithms developed to predict the effect of missense changes on protein structure and function output the following: SIFT: "Deleterious"; PolyPhen-2: "Benign"; Align-GVGD: "Class C0". The proline amino acid residue is found in multiple mammalian species, which suggests that this missense change does not adversely affect protein function. This variant has not been reported in the literature in individuals affected with REST-related conditions. This variant is not present in population databases (gnomAD no frequency). This sequence change replaces threonine, which is neutral and polar, with proline, which is neutral and non-polar, at codon 951 of the REST protein (p.Thr951Pro).